The following is an entry in ClinVar:

ClinVar aggregate classification (germline): Uncertain significance (1 of 4 stars; one submission).

gnomAD v4.1: 1 of 1,577,796 alleles (0.000063%); highest among the groups gnomAD compares: Non-Finnish European, 0.000086%; no homozygotes.

Submission:

Ambry Genetics
Classification: Uncertain significance. Last evaluated: 2024-12-20. Review status: criteria provided, single submitter. Criteria: Ambry Variant Classification Scheme 2023. Collection method: clinical testing. Allele origin: germline.
Comment: The p.T1939R variant (also known as c.5816C>G), located in coding exon 23 of the WNK2 gene, results from a C to G substitution at nucleotide position 5816. The threonine at codon 1939 is replaced by arginine, an amino acid with similar properties. This amino acid position is conserved. In addition, the in silico prediction for this alteration is inconclusive. Based on the available evidence, the clinical significance of this variant remains unclear.

NM_006648.4(WNK2):c.5816C>G (p.Thr1939Arg)

Gene: WNK2 (WNK lysine deficient protein kinase 2; plus strand). Cytogenetic location: 9q22.31.
Variant type: single nucleotide variant.
Coding change: c.5816C>G on transcript NM_006648.4 (MANE Select); coding-DNA position 5816, C replaced by G.
Protein change: p.Thr1939Arg; replaces threonine 1939 with arginine.
Molecular consequence: missense variant.
Genome position (GRCh38, 1-based): chr9:93,297,960, C>G. VCF-style: chr9-93297960-C-G. GRCh37 (hg19) VCF-style: chr9-96060242-C-G.
Other names: c.5927C>G, p.Thr1976Arg (NM_001282394.3); short protein forms T1976R, T1939R.
Identifiers: ClinVar variation 3816560 (VCV003816560.1).
Genomic context (GRCh38, chr9:93,297,960, plus strand): 5'-TCGAAGCTCTGTACCGCCGCCTGGGCAAGCCACTGCCCCCCAACGTGGGCTTCTTCCACA[C>G]GGCACCCCCCACTGGCCGCCGGAGAAAAACCAGCAAGAGCAAGCTGAAGGCAGGCAAGCT-3'
Protein context (NP_006639.3, residues 1929-1949): PLPPNVGFFH[Thr1939Arg]APPTGRRRKT